The following is an entry in ClinVar:

NM_000070.3(CAPN3):c.2102T>C (p.Ile701Thr)

Gene: CAPN3 (calpain 3; plus strand). Cytogenetic location: 15q15.1.
Variant type: single nucleotide variant.
Coding change: c.2102T>C on transcript NM_000070.3 (MANE Select); coding-DNA position 2102, T replaced by C.
Protein change: p.Ile701Thr; replaces isoleucine 701 with threonine.
Molecular consequence: missense variant.
Genome position (GRCh38, 1-based): chr15:42,409,982, T>C. VCF-style: chr15-42409982-T-C. GRCh37 (hg19) VCF-style: chr15-42702180-T-C.
Other names: c.2084T>C, p.Ile695Thr (NM_024344.2); c.1826T>C, p.Ile609Thr (NM_173087.2); c.566T>C, p.Ile189Thr (NM_173088.2); c.107T>C, p.Ile36Thr (NM_173089.2, NM_173090.2); short protein forms I36T, I609T, I701T, I189T, I695T.
Identifiers: ClinVar variation 852590 (VCV000852590.13), dbSNP rs1008776680, ClinGen allele CA269852764.

ClinVar aggregate classification (germline): Uncertain significance. Review status: criteria provided, multiple submitters, no conflicts (2 of 4 stars). 4 submissions from 4 submitters: Uncertain significance (3). 1 of the submissions does not count toward it. Last evaluated 2026-02-02.

Conditions:
Autosomal recessive limb-girdle muscular dystrophy type 2A (LGMDR1). Also called: Muscular dystrophy, limb-girdle, type 2A, Amish; LEYDEN-MOEBIUS MUSCULAR DYSTROPHY; MUSCULAR DYSTROPHY, PELVOFEMORAL; Limb-girdle muscular dystrophy, type 2A; Calpainopathy. Identifiers: Orphanet 267, MedGen C1869123, MONDO:0009675, OMIM 253600. Disease mechanism: loss of function.
Muscular dystrophy, limb-girdle, autosomal dominant 4. Also called: Calpain-3-related limb-girdle muscular dystrophy D4; MUSCULAR DYSTROPHY, LIMB-GIRDLE, TYPE 1I. Identifiers: Orphanet 565909, MedGen C4748295, MONDO:0029133, OMIM 618129.

Allele frequency attached by ClinVar (database versions not stated): TOPMed below 0.00001; gnomAD exomes 0.00001; gnomAD 0.00001.
gnomAD v4.1: 17 of 1,612,030 alleles (0.0011%); highest among the groups gnomAD compares: Middle Eastern, 0.022%; 1 homozygote.

Submissions (4):

Dasa
Classification: Uncertain significance. Last evaluated: 2026-02-02. Review status: criteria provided, single submitter. Criteria: DASA Assertion Criteria. Collection method: clinical testing. Allele origin: germline.
Comment: NM_000070.3(CAPN3):c.2102T>C (p.Ile701Thr) is a missense variant that results in the substitution of isoleucine with threonine. This variant is rare in population databases. Computational prediction algorithms are consistent with a deleterious effect. The currently available literature and clinical evidence are not sufficient to establish a definitive association between this variant and the reported condition. Therefore, this variant is classified as a variant of uncertain significance.

Labcorp Genetics (formerly Invitae), Labcorp
Classification: Uncertain significance for Autosomal recessive limb-girdle muscular dystrophy type 2A. Last evaluated: 2025-08-18. Review status: criteria provided, single submitter. Criteria: Invitae Variant Classification Sherloc (09022015). Collection method: clinical testing. Allele origin: germline.
Comment: This sequence change replaces isoleucine, which is neutral and non-polar, with threonine, which is neutral and polar, at codon 701 of the CAPN3 protein (p.Ile701Thr). This variant is not present in population databases (gnomAD no frequency). This variant has not been reported in the literature in individuals affected with CAPN3-related conditions. ClinVar contains an entry for this variant (Variation ID: 852590). Invitae Evidence Modeling of protein sequence and biophysical properties (such as structural, functional, and spatial information, amino acid conservation, physicochemical variation, residue mobility, and thermodynamic stability) indicates that this missense variant is expected to disrupt CAPN3 protein function with a positive predictive value of 80%. In summary, the available evidence is currently insufficient to determine the role of this variant in disease. Therefore, it has been classified as a Variant of Uncertain Significance.

Fulgent Genetics
Classification: Uncertain significance for Autosomal recessive limb-girdle muscular dystrophy type 2A; Muscular dystrophy, limb-girdle, autosomal dominant 4. Last evaluated: 2021-08-17. Review status: criteria provided, single submitter. Criteria: ACMG Guidelines, 2015. Collection method: clinical testing. Allele origin: unknown.

Natera, Inc.
Classification: Uncertain significance for Limb-girdle muscular dystrophy type 2A. Last evaluated: 2020-09-01. Review status: no assertion criteria provided. Collection method: clinical testing. Allele origin: germline. Not counted in ClinVar's aggregate classification.